The following is an entry in ClinVar:

ClinVar aggregate classification (germline): Uncertain significance (1 of 4 stars; one submission).

Allele frequency attached by ClinVar (database versions not stated): TOPMed below 0.00001; gnomAD 0.00001.
gnomAD v4.1: 2 of 1,613,842 alleles (0.00012%); highest among the groups gnomAD compares: African/African-American, 0.0013%; no homozygotes.

Submission:

GeneDx
Classification: Uncertain significance. Last evaluated: 2021-03-29. Review status: criteria provided, single submitter. Criteria: GeneDx Variant Classification Process June 2021. Collection method: clinical testing. Allele origin: germline. Affected: yes.
Comment: Has not been previously published as pathogenic or benign to our knowledge; Not observed in large population cohorts (Lek et al., 2016); In silico analysis supports that this missense variant has a deleterious effect on protein structure/function

NM_170606.3(KMT2C):c.14422G>A (p.Glu4808Lys)

Gene: KMT2C (lysine methyltransferase 2C; minus strand). Cytogenetic location: 7q36.1.
Variant type: single nucleotide variant.
Coding change: c.14422G>A on transcript NM_170606.3 (MANE Select); coding-DNA position 14422, G replaced by A.
Protein change: p.Glu4808Lys; replaces glutamic acid 4808 with lysine.
Molecular consequence: missense variant.
Genome position (GRCh38, 1-based): chr7:152,139,713, C>T on the plus strand (G>A on the coding strand, the complement: KMT2C is on the minus strand). VCF-style: chr7-152139713-C-T. GRCh37 (hg19) VCF-style: chr7-151836798-C-T.
Other names: short protein forms E4808K.
Identifiers: ClinVar variation 1313160 (VCV001313160.2), dbSNP rs1179701584, ClinGen allele CA370085844.